The following is an entry in ClinVar:

NM_016247.4(IMPG2):c.2038del (p.Glu680fs)

Gene: IMPG2 (interphotoreceptor matrix proteoglycan 2; minus strand). Cytogenetic location: 3q12.3.
Variant type: Deletion.
Coding change: c.2038del on transcript NM_016247.4 (MANE Select); coding-DNA position 2038, one base deleted (G; older notation c.2038delG).
Protein change: p.Glu680fs; shifts the reading frame from glutamic acid 680.
Molecular consequence: frameshift variant.
Genome position (GRCh38, 1-based): chr3:101,244,293, C deleted on the plus strand (G on the coding strand, the reverse complement: IMPG2 is on the minus strand). VCF-style (leftmost placement, unchanged base first): chr3-101244292-TC-T. GRCh37 (hg19) VCF-style: chr3-100963136-TC-T.
Other names: c.2038delG (NM_016247.3); short protein forms E680fs.
Identifiers: ClinVar variation 1069110 (VCV001069110.8), dbSNP rs1706448011, ClinGen allele CA1051496325.

ClinVar aggregate classification (germline): Pathogenic. Review status: criteria provided, multiple submitters, no conflicts (2 of 4 stars). 2 submissions from 2 submitters: Pathogenic (2). Last evaluated 2025-08-29.

Conditions:
IMPG2-related disorder. Also called: IMPG2-related condition.

Allele frequency attached by ClinVar (database versions not stated): gnomAD 0.00001; TOPMed 0.00001.

Submissions (2):

Labcorp Genetics (formerly Invitae), Labcorp
Classification: Pathogenic. Last evaluated: 2025-08-29. Review status: criteria provided, single submitter. Criteria: Invitae Variant Classification Sherloc (09022015). Collection method: clinical testing. Allele origin: germline.
Comment: This sequence change creates a premature translational stop signal (p.Glu680Serfs*21) in the IMPG2 gene. It is expected to result in an absent or disrupted protein product. Loss-of-function variants in IMPG2 are known to be pathogenic (PMID: 20673862). This variant is not present in population databases (gnomAD no frequency). This premature translational stop signal has been observed in individual(s) with retinitis pigmentosa (PMID: 31736247). ClinVar contains an entry for this variant (Variation ID: 1069110). For these reasons, this variant has been classified as Pathogenic.

PreventionGenetics, part of Exact Sciences
Classification: Pathogenic for IMPG2-related condition. Last evaluated: 2024-11-15. Review status: criteria provided, single submitter. Criteria: ACMG Guidelines, 2015. Collection method: clinical testing. Allele origin: germline.
Comment: The IMPG2 c.2038delG variant is predicted to result in a frameshift and premature protein termination (p.Glu680Serfs*21). This variant has been reported in an individual with retinal dystrophy (Zenteno et al. 2020. PubMed ID: 31736247). This variant has not been reported in a large population database (gnomAD), indicating this variant is rare. Frameshift variants in IMPG2 are expected to be pathogenic. This variant is interpreted as pathogenic.

Literature cited by the submitters: PubMed 20673862 (cited by Labcorp Genetics (formerly Invitae), Labcorp); PubMed 31736247 (cited by Labcorp Genetics (formerly Invitae), Labcorp).